The following is an entry in ClinVar:

NM_001040142.2(SCN2A):c.476+6T>C

Gene: SCN2A (sodium voltage-gated channel alpha subunit 2; plus strand). Cytogenetic location: 2q24.3.
Variant type: single nucleotide variant.
Coding change: c.476+6T>C on transcript NM_001040142.2 (MANE Select); 6 bases into the intron after coding-DNA position 476, T replaced by C.
Molecular consequence: intron variant.
Genome position (GRCh38, 1-based): chr2:165,307,943, T>C. VCF-style: chr2-165307943-T-C. GRCh37 (hg19) VCF-style: chr2-166164453-T-C.
Other names: c.476+6T>C (NM_001040143.2, NM_001371246.1, NM_001371247.1 and 1 more transcripts).
Identifiers: ClinVar variation 2936978 (VCV002936978.3), dbSNP rs2467881088, ClinGen allele CA2740095802.

ClinVar aggregate classification (germline): Uncertain significance (1 of 4 stars; one submission).

Conditions:
Seizures, benign familial infantile, 3 (BFIS3). Also called: CONVULSIONS, BENIGN FAMILIAL INFANTILE, 3; Familial neonatal seizures. Identifiers: Orphanet 140927, Orphanet 306, MedGen C1843140, MONDO:0011904, OMIM 607745.
Developmental and epileptic encephalopathy, 11 (DEE11). Also called: Early infantile epileptic encephalopathy 11. Identifiers: Orphanet 1934, MedGen C3150987, MONDO:0013388, OMIM 613721.

Submission:

Labcorp Genetics (formerly Invitae), Labcorp
Classification: Uncertain significance for Seizures, benign familial infantile, 3; Developmental and epileptic encephalopathy, 11. Last evaluated: 2023-12-11. Review status: criteria provided, single submitter. Criteria: Invitae Variant Classification Sherloc (09022015). Collection method: clinical testing. Allele origin: germline.
Comment: This sequence change falls in intron 4 of the SCN2A gene. It does not directly change the encoded amino acid sequence of the SCN2A protein. It affects a nucleotide within the consensus splice site. This variant is not present in population databases (gnomAD no frequency). This variant has not been reported in the literature in individuals affected with SCN2A-related conditions. Variants that disrupt the consensus splice site are a relatively common cause of aberrant splicing (PMID: 17576681, 9536098). Algorithms developed to predict the effect of sequence changes on RNA splicing suggest that this variant may disrupt the consensus splice site. In summary, the available evidence is currently insufficient to determine the role of this variant in disease. Therefore, it has been classified as a Variant of Uncertain Significance.

Literature cited by the submitters: PubMed 17576681; PubMed 9536098.